The following is an entry in ClinVar:

NM_000399.5(EGR2):c.581C>T (p.Thr194Ile)

Gene: EGR2 (early growth response 2; minus strand). Cytogenetic location: 10q21.3.
Variant type: single nucleotide variant.
Coding change: c.581C>T on transcript NM_000399.5 (MANE Select); coding-DNA position 581, C replaced by T.
Protein change: p.Thr194Ile; replaces threonine 194 with isoleucine.
Molecular consequence: missense variant.
Genome position (GRCh38, 1-based): chr10:62,814,057, G>A on the plus strand (C>T on the coding strand, the complement: EGR2 is on the minus strand). VCF-style: chr10-62814057-G-A. GRCh37 (hg19) VCF-style: chr10-64573817-G-A.
Other names: c.581C>T, p.Thr194Ile (NM_001136177.3, NM_001136178.2); c.431C>T, p.Thr144Ile (NM_001136179.3, NM_001321037.2); short protein forms T144I, T194I.
Identifiers: ClinVar variation 1495644 (VCV001495644.11), dbSNP rs1269313182, ClinGen allele CA377029852.
Genomic context (GRCh38, chr10:62,814,057, plus strand): 5'-GCTGGCTTGGGGGATGGATAGGAAGGAGGTGGTGGGTAGGCCAGAGAGGAAGAGGTGGAG[G>A]TGGTGGCTGCTGACAGGAACGCAGAAGGGTCCTGGTAGAGGTCTCCTGCACAGCCAGAAT-3'
Protein context (NP_000390.2, residues 184-204): DPSAFLSAAT[Thr194Ile]STSSSLAYPP

ClinVar aggregate classification (germline): Uncertain significance. Review status: criteria provided, multiple submitters, no conflicts (2 of 4 stars). 2 submissions from 2 submitters: Uncertain significance (2). Last evaluated 2025-06-23.

Conditions:
Inborn genetic diseases. Identifiers: MedGen C0950123, MeSH D030342.
Charcot-Marie-Tooth disease, type I (CMT1). Also called: Charcot-Marie-Tooth disease type 1; Charcot-Marie-Tooth, Type 1. Identifiers: Orphanet 65753, MedGen C0751036, MONDO:0019011.

Allele frequency attached by ClinVar (database versions not stated): gnomAD exomes below 0.00001; gnomAD 0.00001; TOPMed 0.00002.
gnomAD v4.1: 6 of 1,614,020 alleles (0.00037%); highest among the groups gnomAD compares: African/African-American, 0.0027%; no homozygotes.

Submissions (2):

Ambry Genetics
Classification: Uncertain significance for Inborn genetic diseases. Last evaluated: 2025-06-23. Review status: criteria provided, single submitter. Criteria: Ambry Variant Classification Scheme 2023. Collection method: clinical testing. Allele origin: germline.

Labcorp Genetics (formerly Invitae), Labcorp
Classification: Uncertain significance for Charcot-Marie-Tooth disease, type I. Last evaluated: 2022-02-23. Review status: criteria provided, single submitter. Criteria: Invitae Variant Classification Sherloc (09022015). Collection method: clinical testing. Allele origin: germline.
Comment: In summary, the available evidence is currently insufficient to determine the role of this variant in disease. Therefore, it has been classified as a Variant of Uncertain Significance. Algorithms developed to predict the effect of missense changes on protein structure and function are either unavailable or do not agree on the potential impact of this missense change (SIFT: "Tolerated"; PolyPhen-2: "Possibly Damaging"; Align-GVGD: "Class C0"). This variant has not been reported in the literature in individuals affected with EGR2-related conditions. This variant is present in population databases (no rsID available, gnomAD 0.02%). This sequence change replaces threonine, which is neutral and polar, with isoleucine, which is neutral and non-polar, at codon 194 of the EGR2 protein (p.Thr194Ile).